The following is an entry in ClinVar:

ClinVar aggregate classification (germline): Uncertain significance (1 of 4 stars; one submission).

Submission:

Labcorp Genetics (formerly Invitae), Labcorp
Classification: Uncertain significance. Last evaluated: 2022-06-27. Review status: criteria provided, single submitter. Criteria: Invitae Variant Classification Sherloc (09022015). Collection method: clinical testing. Allele origin: germline.
Comment: This sequence change replaces asparagine, which is neutral and polar, with histidine, which is basic and polar, at codon 2181 of the MYO18B protein (p.Asn2181His). In summary, the available evidence is currently insufficient to determine the role of this variant in disease. Therefore, it has been classified as a Variant of Uncertain Significance. Algorithms developed to predict the effect of missense changes on protein structure and function are either unavailable or do not agree on the potential impact of this missense change (SIFT: "Not Available"; PolyPhen-2: "Benign"; Align-GVGD: "Not Available"). This variant has not been reported in the literature in individuals affected with MYO18B-related conditions. This variant is not present in population databases (gnomAD no frequency).

NM_032608.7(MYO18B):c.6541A>C (p.Asn2181His)

Gene: MYO18B (myosin XVIIIB; plus strand). Cytogenetic location: 22q12.1.
Variant type: single nucleotide variant.
Coding change: c.6541A>C on transcript NM_032608.7 (MANE Select); coding-DNA position 6541, A replaced by C.
Protein change: p.Asn2181His; replaces asparagine 2181 with histidine.
Molecular consequence: missense variant.
Genome position (GRCh38, 1-based): chr22:26,026,515, A>C. VCF-style: chr22-26026515-A-C. GRCh37 (hg19) VCF-style: chr22-26422481-A-C.
Other names: c.6544A>C, p.Asn2182His (NM_001318245.2); short protein forms N2181H, N2182H.
Identifiers: ClinVar variation 1361653 (VCV001361653.8), dbSNP rs1936251605, ClinGen allele CA411009943.